The following is an entry in ClinVar:

ClinVar aggregate classification (germline): Likely benign (1 of 4 stars; one submission).

Conditions:
MREG-related condition.

gnomAD v4.1: 247 of 1,604,942 alleles (0.015%); highest among the groups gnomAD compares: Non-Finnish European, 0.02%; no homozygotes.

Submission:

PreventionGenetics, part of Exact Sciences
Classification: Likely benign for MREG-related condition. Last evaluated: 2026-08-23. Review status: criteria provided, single submitter. Criteria: ACMG Guidelines, 2015. Collection method: clinical testing. Allele origin: germline.
Comment: This variant is classified as likely benign based on ACMG/AMP sequence variant interpretation guidelines (Richards et al. 2015 PMID: 25741868, with internal and published modifications).

NM_018000.3(MREG):c.510+8G>A

Gene: MREG (melanoregulin; minus strand). Cytogenetic location: 2q35.
Variant type: single nucleotide variant.
Coding change: c.510+8G>A on transcript NM_018000.3 (MANE Select); 8 bases into the intron after coding-DNA position 510, G replaced by A.
Molecular consequence: intron variant.
Genome position (GRCh38, 1-based): chr2:215,945,563, C>T on the plus strand (G>A on the coding strand, the complement: MREG is on the minus strand). VCF-style: chr2-215945563-C-T. GRCh37 (hg19) VCF-style: chr2-216810286-C-T.
Other names: c.348+8G>A (NM_001372189.1, NM_001372190.1); c.660+8G>A (NM_001372188.1).
Identifiers: ClinVar variation 4985084 (VCV004985084.1).